The following is an entry in ClinVar:

NM_015450.3(POT1):c.460T>G (p.Cys154Gly)

Gene: POT1 (protection of telomeres 1; minus strand). Cytogenetic location: 7q31.33.
Variant type: single nucleotide variant.
Coding change: c.460T>G on transcript NM_015450.3 (MANE Select); coding-DNA position 460, T replaced by G.
Protein change: p.Cys154Gly; replaces cysteine 154 with glycine.
Molecular consequence: missense variant. On other transcripts: non-coding transcript variant (3).
Genome position (GRCh38, 1-based): chr7:124,863,436, A>C on the plus strand (T>G on the coding strand, the complement: POT1 is on the minus strand). VCF-style: chr7-124863436-A-C. GRCh37 (hg19) VCF-style: chr7-124503490-A-C.
Other names: c.67T>G, p.Cys23Gly (NM_001042594.2); short protein forms C154G, C23G.
Identifiers: ClinVar variation 3782004 (VCV003782004.1).

ClinVar aggregate classification (germline): Uncertain significance (1 of 4 stars; one submission).

Conditions:
Hereditary cancer-predisposing syndrome. Also called: Neoplastic Syndromes, Hereditary; Hereditary Cancer Syndrome; Tumor predisposition; Hereditary neoplastic syndrome. Identifiers: Orphanet 140162, MedGen C0027672, MeSH D009386, MONDO:0015356.

gnomAD v4.1: 1 of 1,613,954 alleles (0.000062%); highest among the groups gnomAD compares: Non-Finnish European, 0.000085%; no homozygotes.

Submission:

Ambry Genetics
Classification: Uncertain significance for Hereditary cancer-predisposing syndrome. Last evaluated: 2025-02-10. Review status: criteria provided, single submitter. Criteria: Ambry Variant Classification Scheme 2023. Collection method: clinical testing. Allele origin: germline.
Comment: The p.C154G variant (also known as c.460T>G), located in coding exon 4 of the POT1 gene, results from a T to G substitution at nucleotide position 460. The cysteine at codon 154 is replaced by glycine, an amino acid with highly dissimilar properties. This amino acid position is conserved. In addition, this alteration is predicted to be tolerated by in silico analysis. Based on the available evidence, the clinical significance of this variant remains unclear.